The following is an entry in ClinVar:

ClinVar aggregate classification (germline): Pathogenic (1 of 4 stars; one submission).

Allele frequency attached by ClinVar (database versions not stated): gnomAD exomes below 0.00001; TOPMed below 0.00001.

Submission:

Labcorp Genetics (formerly Invitae), Labcorp
Classification: Pathogenic. Last evaluated: 2023-03-22. Review status: criteria provided, single submitter. Criteria: Invitae Variant Classification Sherloc (09022015). Collection method: clinical testing. Allele origin: germline.
Comment: This sequence change creates a premature translational stop signal (p.Arg1536Glyfs*31) in the TG gene. It is expected to result in an absent or disrupted protein product. Loss-of-function variants in TG are known to be pathogenic (PMID: 19837936, 23164529). For these reasons, this variant has been classified as Pathogenic. This variant has not been reported in the literature in individuals affected with TG-related conditions. This variant is not present in population databases (gnomAD no frequency).

Literature cited by the submitters: PubMed 19837936; PubMed 23164529.

NM_003235.5(TG):c.4606del (p.Arg1536fs)

Gene: TG (thyroglobulin; plus strand). Cytogenetic location: 8q24.22.
Variant type: Deletion.
Coding change: c.4606del on transcript NM_003235.5 (MANE Select); coding-DNA position 4606, one base deleted (A; older notation c.4606delA).
Protein change: p.Arg1536fs; shifts the reading frame from arginine 1536.
Molecular consequence: frameshift variant.
Genome position (GRCh38, 1-based): chr8:132,923,415, A deleted. VCF-style (leftmost placement, unchanged base first): chr8-132923414-CA-C. GRCh37 (hg19) VCF-style: chr8-133935659-CA-C.
Other names: short protein forms R1536fs.
Identifiers: ClinVar variation 2786273 (VCV002786273.3), dbSNP rs971873834, ClinGen allele CA186313788.
Genomic context (GRCh38, chr8:132,923,414, plus strand): 5'-GAGGAACGAAGCAGGCCTGCAATGTGACCAGAATGGCCAGTATCGAGCCAGCCAGAAGGA[CA>C]GGGGCAGTGGGAAGGCCTTCTGTGTGGACGGCGAGGGGCGGAGGCTGCCATGGTGGGAAA-3'